The following is an entry in ClinVar:

ClinVar aggregate classification (germline): Uncertain significance (1 of 4 stars; one submission).

Conditions:
Metachromatic leukodystrophy (MLD). Also called: Arylsulfatase A Deficiency; Cerebral sclerosis diffuse metachromatic form; ARSA DEFICIENCY; CEREBROSIDE SULFATASE DEFICIENCY; SULFATIDE LIPIDOSIS; METACHROMATIC LEUKOENCEPHALOPATHY. Identifiers: Orphanet 512, MedGen C0023522, MONDO:0018868, OMIM 250100.

Allele frequency attached by ClinVar (database versions not stated): gnomAD exomes below 0.00001; gnomAD 0.00001; ExAC 0.00002.
gnomAD v4.1: 13 of 1,608,400 alleles (0.00081%); highest among the groups gnomAD compares: South Asian, 0.014%; no homozygotes.

Submission:

Labcorp Genetics (formerly Invitae), Labcorp
Classification: Uncertain significance for Metachromatic leukodystrophy. Last evaluated: 2021-12-19. Review status: criteria provided, single submitter. Criteria: Invitae Variant Classification Sherloc (09022015). Collection method: clinical testing. Allele origin: germline.
Comment: This sequence change falls in intron 2 of the ARSA gene. It does not directly change the encoded amino acid sequence of the ARSA protein. It affects a nucleotide within the consensus splice site. The frequency data for this variant in the population databases is considered unreliable, as metrics indicate poor data quality at this position in the gnomAD database. This variant has not been reported in the literature in individuals affected with ARSA-related conditions. Variants that disrupt the consensus splice site are a relatively common cause of aberrant splicing (PMID: 17576681, 9536098). Algorithms developed to predict the effect of sequence changes on RNA splicing suggest that this variant may disrupt the consensus splice site. In summary, the available evidence is currently insufficient to determine the role of this variant in disease. Therefore, it has been classified as a Variant of Uncertain Significance.

Literature cited by the submitters: PubMed 17576681; PubMed 9536098.

NM_000487.6(ARSA):c.465+5G>A

Gene: ARSA (arylsulfatase A; minus strand). Cytogenetic location: 22q13.33.
Variant type: single nucleotide variant.
Coding change: c.465+5G>A on transcript NM_000487.6 (MANE Select); 5 bases into the intron after coding-DNA position 465, G replaced by A.
Molecular consequence: intron variant.
Genome position (GRCh38, 1-based): chr22:50,627,161, C>T on the plus strand (G>A on the coding strand, the complement: ARSA is on the minus strand). VCF-style: chr22-50627161-C-T. GRCh37 (hg19) VCF-style: chr22-51065589-C-T.
Other names: c.207+5G>A (NM_001362782.2, NM_001085428.3); c.465+5G>A (NM_001085427.3, NM_001085426.3, NM_001085425.3).
Identifiers: ClinVar variation 1486696 (VCV001486696.3), dbSNP rs752777806, ClinGen allele CA10325027.
Genomic context (GRCh38, chr22:50,627,161, plus strand): 5'-GGAGCATCAAGGGCTGGGGGACTTTGGGAGGTGGGAGGGTGGCTGAGGGCCCGGGTGGTT[C>T]CTACCTGGTCGTGGGAGTACGGGATGCCTAGAAATCGATGGAAGCCCTGATGGGGGGGCA-3'